The following is an entry in ClinVar:

NM_000038.6(APC):c.1870A>T (p.Ser624Cys)

Gene: APC (APC regulator of Wnt signaling pathway; plus strand). Cytogenetic location: 5q22.2.
Variant type: single nucleotide variant.
Coding change: c.1870A>T on transcript NM_000038.6 (MANE Select); coding-DNA position 1870, A replaced by T.
Protein change: p.Ser624Cys; replaces serine 624 with cysteine.
Molecular consequence: missense variant. On other transcripts: non-coding transcript variant (2).
Genome position (GRCh38, 1-based): chr5:112,835,077, A>T. VCF-style: chr5-112835077-A-T. GRCh37 (hg19) VCF-style: chr5-112170774-A-T.
Other names: c.1870A>T, p.Ser624Cys (NM_001127510.3, NM_001354895.2, NM_001407450.1); c.1816A>T, p.Ser606Cys (NM_001127511.3); c.1924A>T, p.Ser642Cys (NM_001354896.2, NM_001407447.1, NM_001407448.1 and 1 more transcripts); c.1900A>T, p.Ser634Cys (NM_001354897.2); c.1795A>T, p.Ser599Cys (NM_001354898.2); c.1786A>T, p.Ser596Cys (NM_001354899.2); c.1747A>T, p.Ser583Cys (NM_001354900.2); c.1693A>T, p.Ser565Cys (NM_001354901.2, NM_001407453.1); and 11 more; short protein forms S495C, S541C, S599C, S614C, S642C, S523C, S583C, S596C.
Identifiers: ClinVar variation 2812739 (VCV002812739.3), dbSNP rs1437351234, ClinGen allele CA16025409.

ClinVar aggregate classification (germline): Uncertain significance (1 of 4 stars; one submission).

Conditions:
Familial adenomatous polyposis 1 (FAP1). Also called: FAMILIAL ADENOMATOUS POLYPOSIS 1, ATTENUATED; POLYPOSIS, ADENOMATOUS INTESTINAL. Identifiers: MedGen C2713442, MONDO:0021056, OMIM 175100. Disease mechanism: loss of function.

Submission:

Labcorp Genetics (formerly Invitae), Labcorp
Classification: Uncertain significance for Familial adenomatous polyposis 1. Last evaluated: 2022-11-08. Review status: criteria provided, single submitter. Criteria: Invitae Variant Classification Sherloc (09022015). Collection method: clinical testing. Allele origin: germline.
Comment: In summary, the available evidence is currently insufficient to determine the role of this variant in disease. Therefore, it has been classified as a Variant of Uncertain Significance. Advanced modeling of protein sequence and biophysical properties (such as structural, functional, and spatial information, amino acid conservation, physicochemical variation, residue mobility, and thermodynamic stability) performed at Invitae indicates that this missense variant is not expected to disrupt APC protein function. This variant has not been reported in the literature in individuals affected with APC-related conditions. This variant is not present in population databases (gnomAD no frequency). This sequence change replaces serine, which is neutral and polar, with cysteine, which is neutral and slightly polar, at codon 624 of the APC protein (p.Ser624Cys).